The following is an entry in ClinVar:

NM_020778.5(ALPK3):c.151A>G (p.Ser51Gly)

Gene: ALPK3 (alpha kinase 3; plus strand). Cytogenetic location: 15q25.3.
Variant type: single nucleotide variant.
Coding change: c.151A>G on transcript NM_020778.5 (MANE Select); coding-DNA position 151, A replaced by G.
Protein change: p.Ser51Gly; replaces serine 51 with glycine.
Molecular consequence: missense variant.
Genome position (GRCh38, 1-based): chr15:84,823,337, A>G. VCF-style: chr15-84823337-A-G. GRCh37 (hg19) VCF-style: chr15-85366568-A-G.
Other names: short protein forms S51G.
Identifiers: ClinVar variation 4778971 (VCV004778971.1).
Genomic context (GRCh38, chr15:84,823,337, plus strand): 5'-TACTTCCTTCTTGCTTTTTTGGCCTAATGATTCCATTTGCTGTTTTTGCTTAGCTTATCA[A>G]GCAACCGGTTGTCTCACCCCAGCTCTGGAAGGTAAATGCATATTGCACTACATTTCTCTG-3'
Protein context (NP_065829.4, residues 41-61): LSVRPETSLS[Ser51Gly]NRLSHPSSGR

ClinVar aggregate classification (germline): Uncertain significance (1 of 4 stars; one submission).

gnomAD v4.1: 5 of 1,614,028 alleles (0.00031%); highest among the groups gnomAD compares: East Asian, 0.011%; no homozygotes.

Submission:

Labcorp Genetics (formerly Invitae), Labcorp
Classification: Uncertain significance. Last evaluated: 2025-07-02. Review status: criteria provided, single submitter. Criteria: Invitae Variant Classification Sherloc (09022015). Collection method: clinical testing. Allele origin: germline.
Comment: This sequence change replaces serine, which is neutral and polar, with glycine, which is neutral and non-polar, at codon 253 of the ALPK3 protein (p.Ser253Gly). This variant is present in population databases (rs776555228, gnomAD 0.02%). This variant has not been reported in the literature in individuals affected with ALPK3-related conditions. An algorithm developed to predict the effect of missense changes on protein structure and function (PolyPhen-2) suggests that this variant is likely to be tolerated. In summary, the available evidence is currently insufficient to determine the role of this variant in disease. Therefore, it has been classified as a Variant of Uncertain Significance.